The following is an entry in ClinVar:

ClinVar aggregate classification (germline): Uncertain significance (1 of 4 stars; one submission).

gnomAD v4.1: 85 of 1,614,014 alleles (0.0053%); highest among the groups gnomAD compares: Middle Eastern, 0.017%; no homozygotes.

Submission:

Labcorp Genetics (formerly Invitae), Labcorp
Classification: Uncertain significance. Last evaluated: 2026-02-03. Review status: criteria provided, single submitter. Criteria: Invitae Variant Classification Sherloc (09022015). Collection method: clinical testing. Allele origin: germline.
Comment: This sequence change replaces alanine, which is neutral and non-polar, with threonine, which is neutral and polar, at codon 311 of the GPR161 protein (p.Ala311Thr). This variant is present in population databases (rs571151360, gnomAD 0.01%). This variant has not been reported in the literature in individuals affected with GPR161-related conditions. An algorithm developed to predict the effect of missense changes on protein structure and function outputs the following: PolyPhen-2: "Benign". The threonine amino acid residue is found in multiple mammalian species, which suggests that this missense change does not adversely affect protein function. In summary, the available evidence is currently insufficient to determine the role of this variant in disease. Therefore, it has been classified as a Variant of Uncertain Significance.

NM_001375883.1(GPR161):c.871G>A (p.Ala291Thr)

Gene: GPR161 (G protein-coupled receptor 161; minus strand). Cytogenetic location: 1q24.2.
Variant type: single nucleotide variant.
Coding change: c.871G>A on transcript NM_001375883.1 (MANE Select); coding-DNA position 871, G replaced by A.
Protein change: p.Ala291Thr; replaces alanine 291 with threonine.
Molecular consequence: missense variant.
Genome position (GRCh38, 1-based): chr1:168,096,736, C>T on the plus strand (G>A on the coding strand, the complement: GPR161 is on the minus strand). VCF-style: chr1-168096736-C-T. GRCh37 (hg19) VCF-style: chr1-168065974-C-T.
Other names: c.931G>A, p.Ala311Thr (NM_001267609.1); c.871G>A, p.Ala291Thr (NM_001267610.2, NM_001349632.1, NM_001349633.1 and 5 more transcripts); c.922G>A, p.Ala308Thr (NM_001267611.1); c.475G>A, p.Ala159Thr (NM_001267612.2, NM_001349635.1); c.637G>A, p.Ala213Thr (NM_001267613.1); c.529G>A, p.Ala177Thr (NM_001267614.1); short protein forms A308T, A177T, A291T, A311T, A213T, A159T.
Identifiers: ClinVar variation 4753966 (VCV004753966.1).